The following is an entry in ClinVar:

NM_000053.4(ATP7B):c.1551C>G (p.Leu517=)

Gene: ATP7B (ATPase copper transporting beta; minus strand). Cytogenetic location: 13q14.3.
Variant type: single nucleotide variant.
Coding change: c.1551C>G on transcript NM_000053.4 (MANE Select); coding-DNA position 1551, C replaced by G.
Protein change: p.Leu517=; no amino-acid change (leucine 517 retained).
Molecular consequence: synonymous variant.
Genome position (GRCh38, 1-based): chr13:51,968,600, G>C on the plus strand (C>G on the coding strand, the complement: ATP7B is on the minus strand). VCF-style: chr13-51968600-G-C. GRCh37 (hg19) VCF-style: chr13-52542736-G-C.
Other names: c.1551C>G, p.Leu517= (NM_001005918.3, NM_001330578.2, NM_001330579.2); c.1218C>G, p.Leu406= (NM_001243182.2); c.1551C>G (NM_000053.3).
Identifiers: ClinVar variation 1641911 (VCV001641911.10), dbSNP rs866939606, ClinGen allele CA483897830.

ClinVar aggregate classification (germline): Likely benign. Review status: criteria provided, multiple submitters, no conflicts (2 of 4 stars). 3 submissions from 3 submitters: Likely benign (2). 1 of the submissions does not count toward it. Last evaluated 2024-10-17.

Conditions:
Wilson disease (WND). Also called: Wilson's disease. Identifiers: Orphanet 905, MedGen C0019202, MONDO:0010200, OMIM 277900. Disease mechanism: loss of function.

Allele frequency attached by ClinVar (database versions not stated): gnomAD exomes below 0.00001; gnomAD 0.00001; TOPMed 0.00001.
gnomAD v4.1: 2 of 1,613,990 alleles (0.00012%); highest among the groups gnomAD compares: African/African-American, 0.0013%; no homozygotes.

Submissions (3):

Labcorp Genetics (formerly Invitae), Labcorp
Classification: Likely benign for Wilson disease. Last evaluated: 2024-10-17. Review status: criteria provided, single submitter. Criteria: Invitae Variant Classification Sherloc (09022015). Collection method: clinical testing. Allele origin: germline.

All of Us Research Program, National Institutes of Health
Classification: Likely benign for Wilson disease. Last evaluated: 2024-04-16. Review status: criteria provided, single submitter. Criteria: ACMG Guidelines, 2015. Collection method: clinical testing. Allele origin: germline. Inheritance: Autosomal recessive inheritance. Observed: 1 variant allele, 1 heterozygote.
Comment: This study involves interpretation of variants in research participants for the purpose of population health screening. Participant phenotype was not available at the time of variant classification. Additional details can be found in publication PMID: 35346344, PMCID: PMC8962531

Natera, Inc.
Classification: Uncertain significance for Wilson disease. Last evaluated: 2025-04-13. Review status: no assertion criteria provided. Collection method: clinical testing. Allele origin: germline. Not counted in ClinVar's aggregate classification.